The following is an entry in ClinVar:

NM_033380.3(COL4A5):c.3428G>A (p.Gly1143Asp)

Gene: COL4A5 (collagen type IV alpha 5 chain; plus strand). Cytogenetic location: Xq22.3.
Variant type: single nucleotide variant.
Coding change: c.3428G>A on transcript NM_033380.3 (MANE Select); coding-DNA position 3428, G replaced by A.
Protein change: p.Gly1143Asp; replaces glycine 1143 with aspartic acid.
Molecular consequence: missense variant.
Genome position (GRCh38, 1-based): chrX:108,665,561, G>A. VCF-style: chrX-108665561-G-A. GRCh37 (hg19) VCF-style: chrX-107908791-G-A.
Other names: c.3428G>A (NM_033380.2); c.3428G>A, p.Gly1143Asp (NM_000495.5); short protein forms G1143D.
Identifiers: ClinVar variation 10458 (VCV000010458.4), dbSNP rs104886229, ClinGen allele CA255260.

ClinVar aggregate classification (germline): Pathogenic. Review status: criteria provided, single submitter (1 of 4 stars). 2 submissions from 2 submitters: Pathogenic (1). 1 of the submissions does not count toward it. Last evaluated 2022-09-02.

Conditions:
X-linked Alport syndrome (ATS1). Also called: NEPHROPATHY AND DEAFNESS, X-LINKED; COL4A5-Related Nephropathy. Identifiers: Orphanet 63, Orphanet 88917, MedGen C4746986, MONDO:0010520, OMIM 301050.

Submissions (2):

Victorian Clinical Genetics Services, Murdoch Childrens Research Institute
Classification: Pathogenic for X-linked Alport syndrome. Last evaluated: 2022-09-02. Review status: criteria provided, single submitter. Criteria: ACMG Guidelines, 2015. Collection method: clinical testing. Allele origin: germline. Inheritance: X-linked dominant inheritance. Affected: yes.
Comment: Based on the classification scheme VCGS_Germline_v1.3.4, this variant is classified as Pathogenic. Following criteria are met: 0103 - Dominant negative and loss of function are known mechanisms of disease in this gene and are associated with X-linked Alport syndrome 1 (MIM#301050). Dominant negative is caused mostly by glycine substitutions that affect the conformation of the protein, and loss of function can be caused by either protein truncating or missense variants (PMID: 24046192, 12028435). (I) 0110 - This gene is associated with X-linked dominant disease. Males are typically more severely affected than females (PMID: 19965530). (I) 0115 - Variants in this gene are known to have variable expressivity. There is intrafamilial variability among affected carrier females, possibly due to variable X-inactivation (PMID: 14514738). (I) 0200 - Variant is predicted to result in a missense amino acid change from glycine to aspartic acid. (I) 0251 - This variant is heterozygous. (I) 0301 - Variant is absent from gnomAD (both v2 and v3). (SP) 0501 - Missense variant consistently predicted to be damaging by multiple in silico tools or highly conserved with a major amino acid change. (SP) 0601 - Variant is located in the well-established functional glycine residue within a G-X-Y repeat (DECIPHER). (SP) 0702 - Other missense variants comparable to the one identified in this case have strong previous evidence for pathogenicity. These variants (p.(Gly1143Cys), p.(Gly1143Val), p.(Gly1143Ser)) have been reported as likely pathogenic and pathogenic (ClinVar, LOVD), and observed in individuals with Alport syndrome (PMID: 32607233). (SP) 0803 - This variant has limited previous evidence of pathogenicity in an unrelated individual. This variant has been described in a hemizygous individual with haematuria and terminal renal failure, and their affected mother (PMID: 1598909). (SP) 1102 - Strong phenotype match for this individual. (SP) 1208 - Inheritance information for this variant is not currently available in this individual. (I) Legend: (SP) - Supporting pathogenic, (I) - Information, (SB) - Supporting benign

OMIM
Classification: Pathogenic for ALPORT SYNDROME 1, X-LINKED. Last evaluated: 1992-06-01. Review status: no assertion criteria provided. Collection method: literature only. Allele origin: germline. Not counted in ClinVar's aggregate classification.

Literature cited by the submitters: PubMed 1598909 (cited by Victorian Clinical Genetics Services, Murdoch Childrens Research Institute and OMIM); PubMed 12028435 (cited by Victorian Clinical Genetics Services, Murdoch Childrens Research Institute); PubMed 14514738 (cited by Victorian Clinical Genetics Services, Murdoch Childrens Research Institute); PubMed 19965530 (cited by Victorian Clinical Genetics Services, Murdoch Childrens Research Institute); PubMed 24046192 (cited by Victorian Clinical Genetics Services, Murdoch Childrens Research Institute); PubMed 32607233 (cited by Victorian Clinical Genetics Services, Murdoch Childrens Research Institute).